The following is an entry in ClinVar:

ClinVar aggregate classification (germline): Uncertain significance. Review status: criteria provided, multiple submitters, no conflicts (2 of 4 stars). 3 submissions from 3 submitters: Uncertain significance (3). Last evaluated 2026-07-06.

Conditions:
Polyposis syndrome, hereditary mixed, 2. Identifiers: Orphanet 157794, MedGen C1864730, MONDO:0012405, OMIM 610069.
Hereditary cancer-predisposing syndrome. Also called: Hereditary Cancer Syndrome; Hereditary neoplastic syndrome; Neoplastic Syndromes, Hereditary; Tumor predisposition. Identifiers: Orphanet 140162, MedGen C0027672, MeSH D009386, MONDO:0015356.

Submissions (3):

Ambry Genetics
Classification: Uncertain significance for Hereditary cancer-predisposing syndrome. Last evaluated: 2026-07-06. Review status: criteria provided, single submitter. Criteria: Ambry Variant Classification Scheme 2023. Collection method: clinical testing. Allele origin: germline.
Comment: The p.K322E variant (also known as c.964A>G), located in coding exon 8 of the BMPR1A gene, results from an A to G substitution at nucleotide position 964. The lysine at codon 322 is replaced by glutamic acid, an amino acid with similar properties. This amino acid position is conserved. In addition, this alteration is predicted to be deleterious by in silico analysis. Based on the available evidence, the clinical significance of this variant remains unclear.

Baylor Genetics
Classification: Uncertain significance for Polyposis syndrome, hereditary mixed, 2. Last evaluated: 2023-10-06. Review status: criteria provided, single submitter. Criteria: ACMG Guidelines, 2015. Collection method: clinical testing. Allele origin: unknown.

GeneDx
Classification: Uncertain significance. Last evaluated: 2022-08-11. Review status: criteria provided, single submitter. Criteria: GeneDx Variant Classification Process June 2021. Collection method: clinical testing. Allele origin: germline. Affected: yes.
Comment: Not observed at significant frequency in large population cohorts (gnomAD); In silico analysis supports that this missense variant does not alter protein structure/function; Has not been previously published as pathogenic or benign to our knowledge

NM_004329.3(BMPR1A):c.964A>G (p.Lys322Glu)

Gene: BMPR1A (bone morphogenetic protein receptor type 1A; plus strand). Cytogenetic location: 10q23.2.
Variant type: single nucleotide variant.
Coding change: c.964A>G on transcript NM_004329.3 (MANE Select); coding-DNA position 964, A replaced by G.
Protein change: p.Lys322Glu; replaces lysine 322 with glutamic acid.
Molecular consequence: missense variant.
Genome position (GRCh38, 1-based): chr10:86,919,267, A>G. VCF-style: chr10-86919267-A-G. GRCh37 (hg19) VCF-style: chr10-88679024-A-G.
Other names: c.1039A>G, p.Lys347Glu (NM_001406559.1); c.1012A>G, p.Lys338Glu (NM_001406560.1); c.964A>G, p.Lys322Glu (NM_001406561.1, NM_001406562.1, NM_001406563.1 and 19 more transcripts); c.958A>G, p.Lys320Glu (NM_001406583.1); c.880A>G, p.Lys294Glu (NM_001406584.1, NM_001406585.1, NM_001406586.1 and 2 more transcripts); c.622A>G, p.Lys208Glu (NM_001406589.1); short protein forms K208E, K294E, K320E, K322E, K338E, K347E.
Identifiers: ClinVar variation 2429652 (VCV002429652.3), dbSNP rs1131691167, ClinGen allele CA377460289.